The following is an entry in ClinVar:

NM_014271.4(IL1RAPL1):c.233A>G (p.Lys78Arg)

Gene: IL1RAPL1 (interleukin 1 receptor accessory protein like 1; plus strand). Cytogenetic location: Xp21.3.
Variant type: single nucleotide variant.
Coding change: c.233A>G on transcript NM_014271.4 (MANE Select); coding-DNA position 233, A replaced by G.
Protein change: p.Lys78Arg; replaces lysine 78 with arginine.
Molecular consequence: missense variant.
Genome position (GRCh38, 1-based): chrX:29,283,088, A>G. VCF-style: chrX-29283088-A-G. GRCh37 (hg19) VCF-style: chrX-29301205-A-G.
Other names: c.233A>G (NM_014271.3); short protein forms K78R.
Identifiers: ClinVar variation 2190667 (VCV002190667.5), dbSNP rs138853476, ClinGen allele CA10375386.

ClinVar aggregate classification (germline): Uncertain significance. Review status: criteria provided, multiple submitters, no conflicts (2 of 4 stars). 2 submissions from 2 submitters: Uncertain significance (2). Last evaluated 2024-01-29.

Conditions:
Inborn genetic diseases. Identifiers: MedGen C0950123, MeSH D030342.

Allele frequency attached by ClinVar (database versions not stated): ExAC 0.00002; gnomAD 0.00002; TOPMed 0.00002; gnomAD exomes 0.00005; ESP Exome Variant Server 0.00009.
gnomAD v4.1: 50 of 1,210,043 alleles (0.0041%); highest among the groups gnomAD compares: Non-Finnish European, 0.0054%; no homozygotes.

Submissions (2):

Labcorp Genetics (formerly Invitae), Labcorp
Classification: Uncertain significance. Last evaluated: 2024-01-29. Review status: criteria provided, single submitter. Criteria: Invitae Variant Classification Sherloc (09022015). Collection method: clinical testing. Allele origin: germline.
Comment: This sequence change replaces lysine, which is basic and polar, with arginine, which is basic and polar, at codon 78 of the IL1RAPL1 protein (p.Lys78Arg). This variant is present in population databases (rs138853476, gnomAD 0.008%), including at least one homozygous and/or hemizygous individual. This variant has not been reported in the literature in individuals affected with IL1RAPL1-related conditions. ClinVar contains an entry for this variant (Variation ID: 2190667). An algorithm developed to predict the effect of missense changes on protein structure and function (PolyPhen-2) suggests that this variant is likely to be tolerated. In summary, the available evidence is currently insufficient to determine the role of this variant in disease. Therefore, it has been classified as a Variant of Uncertain Significance.

Ambry Genetics
Classification: Uncertain significance for Inborn genetic diseases. Last evaluated: 2023-11-28. Review status: criteria provided, single submitter. Criteria: Ambry Variant Classification Scheme 2023. Collection method: clinical testing. Allele origin: germline.